The following is an entry in ClinVar:

ClinVar aggregate classification (germline): Likely benign (1 of 4 stars; one submission).

Allele frequency attached by ClinVar (database versions not stated): 1000 Genomes Project 0.00240; 1000 Genomes Project 30x 0.00234.
gnomAD v4.1: 1,808 of 937,242 alleles (0.19%); highest among the groups gnomAD compares: African/African-American, 0.65%; 5 homozygotes.

Submission:

CeGaT Center for Human Genetics Tuebingen
Classification: Likely benign. Last evaluated: 2026-09-01. Review status: criteria provided, single submitter. Criteria: CeGaT Center For Human Genetics Tuebingen Variant Classification Criteria Version 2. Collection method: clinical testing. Allele origin: germline. Affected: yes. Observed: 10 variant alleles.
Comment: RNU7-1: BS2

NR_023317.1(RNU7-1):n.49T>C

Genes: C12orf57 (chromosome 12 open reading frame 57; plus strand), RNU7-1 (RNA, U7 small nuclear 1; plus strand). Cytogenetic location: 12p13.31.
Variant type: single nucleotide variant.
Molecular consequence: non-coding transcript variant (on NR_023317.1). On other transcripts: intron variant (2).
Genome position: GRCh38 VCF-style: chr12-6943864-T-C. GRCh37 (hg19) VCF-style: chr12-7053027-T-C.
Other names: c.13+202T>C (NM_001301836.2); c.-16+202T>C (NM_001301834.1).
Identifiers: ClinVar variation 3024660 (VCV003024660.20), dbSNP rs145994149, ClinGen allele CA232435364.